The following is an entry in ClinVar:

NM_001358530.2(MOCS1):c.*1424C>G

Gene: MOCS1 (molybdenum cofactor synthesis 1; minus strand). Cytogenetic location: 6p21.2.
Variant type: single nucleotide variant.
Coding change: c.*1424C>G on transcript NM_001358530.2 (MANE Select); 1424 bases downstream of the stop codon, C replaced by G.
Molecular consequence: 3 prime UTR variant. On other transcripts: non-coding transcript variant (1).
Genome position (GRCh38, 1-based): chr6:39,904,933, G>C on the plus strand (C>G on the coding strand, the complement: MOCS1 is on the minus strand). VCF-style: chr6-39904933-G-C. GRCh37 (hg19) VCF-style: chr6-39872709-G-C.
Other names: c.*2192C>G (NM_001075098.4, NM_001358533.2, NM_001358534.2 and 1 more transcripts); c.*1424C>G (NM_001358529.2, NM_001358531.2).
Identifiers: ClinVar variation 356603 (VCV000356603.5), dbSNP rs151159237, ClinGen allele CA3795644.

ClinVar aggregate classification (germline): Likely benign (1 of 4 stars; one submission).

Conditions:
Sulfite oxidase deficiency due to molybdenum cofactor deficiency type A. Also called: Molybdenum Cofactor Deficiency A; Molybdenum cofactor deficiency, complementation group A. Identifiers: Orphanet 308386, Orphanet 833, MedGen C1854988, MONDO:0009643, OMIM 252150.

Allele frequency attached by ClinVar (database versions not stated): 1000 Genomes Project 0.00160; 1000 Genomes Project 30x 0.00219; gnomAD 0.00270 and 0.00297; TOPMed 0.00278; gnomAD exomes 0.00472 and 0.00477; ExAC 0.00929.
gnomAD v4.1: 1,902 of 454,094 alleles (0.42%); highest among the groups gnomAD compares: Middle Eastern, 3.7%; 21 homozygotes.

Submission:

Illumina Laboratory Services, Illumina
Classification: Likely benign for Sulfite oxidase deficiency due to molybdenum cofactor deficiency type A. Last evaluated: 2018-01-13. Review status: criteria provided, single submitter. Criteria: ICSL Variant Classification Criteria 13 December 2019. Collection method: clinical testing. Allele origin: germline.
Comment: This variant was observed in the ICSL laboratory as part of a predisposition screen in an ostensibly healthy population. It had not been previously curated by ICSL or reported in the Human Gene Mutation Database (HGMD: prior to June 1st, 2018), and was therefore a candidate for classification through an automated scoring system. Utilizing variant allele frequency, disease prevalence and penetrance estimates, and inheritance mode, an automated score was calculated to assess if this variant is too frequent to cause the disease. Based on the score and internal cut-off values, a variant classified as likely benign is not then subjected to further curation. The score for this variant resulted in a classification of likely benign for this disease.